The following is an entry in ClinVar:

ClinVar aggregate classification (germline): Uncertain significance. Review status: criteria provided, multiple submitters, no conflicts (2 of 4 stars). 2 submissions from 2 submitters: Uncertain significance (2). Last evaluated 2021-01-13.

Conditions:
Autosomal dominant childhood-onset proximal spinal muscular atrophy with contractures (SMALED2A). Also called: SPINAL MUSCULAR ATROPHY, LOWER EXTREMITY-PREDOMINANT, 2A, CHILDHOOD ONSET, AUTOSOMAL DOMINANT; Spinal muscular atrophy, lower extremity-predominant, 2A, autosomal dominant. Identifiers: Orphanet 363447, Orphanet 363454, MedGen C4747715, MONDO:0014121, OMIM 615290.

Allele frequency attached by ClinVar (database versions not stated): gnomAD exomes below 0.00001.
gnomAD v4.1: 2 of 1,614,174 alleles (0.00012%); highest among the groups gnomAD compares: African/African-American, 0.0013%; no homozygotes.

Submissions (2):

Labcorp Genetics (formerly Invitae), Labcorp
Classification: Uncertain significance for Autosomal dominant childhood-onset proximal spinal muscular atrophy with contractures. Last evaluated: 2021-01-13. Review status: criteria provided, single submitter. Criteria: Invitae Variant Classification Sherloc (09022015). Collection method: clinical testing. Allele origin: germline.
Comment: In summary, the available evidence is currently insufficient to determine the role of this variant in disease. Therefore, it has been classified as a Variant of Uncertain Significance. Advanced modeling of protein sequence and biophysical properties (such as structural, functional, and spatial information, amino acid conservation, physicochemical variation, residue mobility, and thermodynamic stability) performed at Invitae indicates that this missense variant is not expected to disrupt BICD2 protein function. This variant has not been reported in the literature in individuals with BICD2-related conditions. This variant is not present in population databases (ExAC no frequency). This sequence change replaces histidine with arginine at codon 305 of the BICD2 protein (p.His305Arg). The histidine residue is moderately conserved and there is a small physicochemical difference between histidine and arginine.

Blueprint Genetics
Classification: Uncertain significance. Last evaluated: 2019-01-25. Review status: criteria provided, single submitter. Criteria: ACMG Guidelines, 2015. Collection method: clinical testing. Allele origin: germline.

NM_001003800.2(BICD2):c.914A>G (p.His305Arg)

Gene: BICD2 (BICD cargo adaptor 2; minus strand). Cytogenetic location: 9q22.31.
Variant type: single nucleotide variant.
Coding change: c.914A>G on transcript NM_001003800.2 (MANE Select); coding-DNA position 914, A replaced by G.
Protein change: p.His305Arg; replaces histidine 305 with arginine.
Molecular consequence: missense variant.
Genome position (GRCh38, 1-based): chr9:92,720,448, T>C on the plus strand (A>G on the coding strand, the complement: BICD2 is on the minus strand). VCF-style: chr9-92720448-T-C. GRCh37 (hg19) VCF-style: chr9-95482730-T-C.
Other names: c.914A>G, p.His305Arg (NM_015250.4); short protein forms H305R.
Identifiers: ClinVar variation 1364629 (VCV001364629.9), dbSNP rs1480204082, ClinGen allele CA374042989.